The following is an entry in ClinVar:

NM_032444.4(SLX4):c.4739+7G>A

Gene: SLX4 (SLX4 structure-specific endonuclease subunit; minus strand). Cytogenetic location: 16p13.3.
Variant type: single nucleotide variant.
Coding change: c.4739+7G>A on transcript NM_032444.4 (MANE Select); 7 bases into the intron after coding-DNA position 4739, G replaced by A.
Molecular consequence: intron variant.
Genome position (GRCh38, 1-based): chr16:3,584,762, C>T on the plus strand (G>A on the coding strand, the complement: SLX4 is on the minus strand). VCF-style: chr16-3584762-C-T. GRCh37 (hg19) VCF-style: chr16-3634763-C-T.
Identifiers: ClinVar variation 1149380 (VCV001149380.10), dbSNP rs748897456, ClinGen allele CA7865533.

ClinVar aggregate classification (germline): Conflicting classifications of pathogenicity. Review status: criteria provided, conflicting classifications (1 of 4 stars). 2 submissions from 2 submitters: Uncertain significance (1); Likely benign (1). Last evaluated 2023-10-11.

Conditions:
Fanconi anemia complementation group A (FANCA). Also called: FANCA-Related Fanconi Anemia; Fanconi anemia, group A. Identifiers: Orphanet 84, MedGen C3469521, MONDO:0009215, OMIM 227650.
Fanconi anemia (FA). Also called: Fanconi's anemia. Identifiers: Orphanet 84, MedGen C0015625, MeSH D005199, MONDO:0019391.

Allele frequency attached by ClinVar (database versions not stated): gnomAD exomes 0.00001 and 0.00002; ExAC 0.00002; gnomAD 0.00002.
gnomAD v4.1: 26 of 1,608,336 alleles (0.0016%); highest among the groups gnomAD compares: African/African-American, 0.0027%; 1 homozygote.

Submissions (2):

Labcorp Genetics (formerly Invitae), Labcorp
Classification: Likely benign for Fanconi anemia. Last evaluated: 2023-10-11. Review status: criteria provided, single submitter. Criteria: Invitae Variant Classification Sherloc (09022015). Collection method: clinical testing. Allele origin: germline.

Genetics and Molecular Pathology, SA Pathology
Classification: Uncertain significance for Fanconi anemia complementation group A. Last evaluated: 2020-06-03. Review status: criteria provided, single submitter. Criteria: ACMG Guidelines, 2015. Collection method: clinical testing. Allele origin: germline. Affected: yes.
Comment: PP3 only.